The following is an entry in ClinVar:

ClinVar aggregate classification (germline): Uncertain significance (1 of 4 stars; one submission).

Allele frequency attached by ClinVar (database versions not stated): ExAC 0.00001; gnomAD 0.00001; gnomAD exomes 0.00001; TOPMed 0.00001.
gnomAD v4.1: 8 of 1,613,858 alleles (0.0005%); highest among the groups gnomAD compares: African/African-American, 0.0027%; no homozygotes.

Submission:

Labcorp Genetics (formerly Invitae), Labcorp
Classification: Uncertain significance. Last evaluated: 2022-03-13. Review status: criteria provided, single submitter. Criteria: Invitae Variant Classification Sherloc (09022015). Collection method: clinical testing. Allele origin: germline.
Comment: In summary, the available evidence is currently insufficient to determine the role of this variant in disease. Therefore, it has been classified as a Variant of Uncertain Significance. Algorithms developed to predict the effect of missense changes on protein structure and function output the following: SIFT: "Deleterious"; PolyPhen-2: "Benign"; Align-GVGD: "Class C0". The alanine amino acid residue is found in multiple mammalian species, which suggests that this missense change does not adversely affect protein function. This variant has not been reported in the literature in individuals affected with NSMCE2-related conditions. This variant is present in population databases (rs767857244, gnomAD 0.0009%). This sequence change replaces threonine, which is neutral and polar, with alanine, which is neutral and non-polar, at codon 12 of the NSMCE2 protein (p.Thr12Ala).

NM_173685.4(NSMCE2):c.34A>G (p.Thr12Ala)

Gene: NSMCE2 (NSE2 SUMO ligase component of SMC5/6 complex; plus strand). Cytogenetic location: 8q24.13.
Variant type: single nucleotide variant.
Coding change: c.34A>G on transcript NM_173685.4 (MANE Select); coding-DNA position 34, A replaced by G.
Protein change: p.Thr12Ala; replaces threonine 12 with alanine.
Molecular consequence: missense variant. On other transcripts: non-coding transcript variant (2).
Genome position (GRCh38, 1-based): chr8:125,102,364, A>G. VCF-style: chr8-125102364-A-G. GRCh37 (hg19) VCF-style: chr8-126114606-A-G.
Other names: c.34A>G, p.Thr12Ala (NM_001349485.2, NM_001349486.2, NM_001349487.2); short protein forms T12A.
Identifiers: ClinVar variation 1953639 (VCV001953639.5), dbSNP rs767857244, ClinGen allele CA4874259.
Genomic context (GRCh38, chr8:125,102,364, plus strand): 5'-TTTGAAAACTTAGGTACTAATTTCAAGATGCCAGGACGTTCCAGTTCAAATTCAGGTTCA[A>G]CTGGTTTCATCTCCTTCAGTGGTGTAGAGTCTGCTCTCTCCTCCTTGAAAAACTTCCAAG-3'
Protein context (NP_775956.1, residues 2-22): PGRSSSNSGS[Thr12Ala]GFISFSGVES